The following is an entry in ClinVar:

ClinVar aggregate classification (germline): Uncertain significance (1 of 4 stars; one submission).

Conditions:
AHDC1-related disorder. Also called: AHDC1-related condition.

Submission:

PreventionGenetics, part of Exact Sciences
Classification: Uncertain significance for AHDC1-related condition. Last evaluated: 2025-07-08. Review status: criteria provided, single submitter. Criteria: ACMG Guidelines, 2015. Collection method: clinical testing. Allele origin: germline.
Comment: The AHDC1 c.3637T>C variant is predicted to result in the amino acid substitution p.Ser1213Pro. To our knowledge, this variant has not been reported in the literature or in a large population database (gnomAD), indicating this variant is rare. At this time, the clinical significance of this variant is uncertain due to the absence of conclusive functional and genetic evidence.

NM_001371928.1(AHDC1):c.3637T>C (p.Ser1213Pro)

Gene: AHDC1 (AT-hook DNA binding motif containing 1; minus strand). Cytogenetic location: 1p36.11.
Variant type: single nucleotide variant.
Coding change: c.3637T>C on transcript NM_001371928.1 (MANE Select); coding-DNA position 3637, T replaced by C.
Protein change: p.Ser1213Pro; replaces serine 1213 with proline.
Molecular consequence: missense variant.
Genome position (GRCh38, 1-based): chr1:27,548,479, A>G on the plus strand (T>C on the coding strand, the complement: AHDC1 is on the minus strand). VCF-style: chr1-27548479-A-G. GRCh37 (hg19) VCF-style: chr1-27874990-A-G.
Other names: c.3637T>C, p.Ser1213Pro (NM_001029882.3); short protein forms S1213P.
Identifiers: ClinVar variation 4997336 (VCV004997336.1).